The following is an entry in ClinVar:

ClinVar aggregate classification (germline): Uncertain significance (1 of 4 stars; one submission).

Allele frequency attached by ClinVar (database versions not stated): gnomAD exomes 0.00001 and below 0.00001; ExAC 0.00002; gnomAD 0.00002; TOPMed 0.00002.
gnomAD v4.1: 5 of 1,599,038 alleles (0.00031%); highest among the groups gnomAD compares: African/African-American, 0.0054%; no homozygotes.

Submission:

Labcorp Genetics (formerly Invitae), Labcorp
Classification: Uncertain significance. Last evaluated: 2023-08-04. Review status: criteria provided, single submitter. Criteria: Invitae Variant Classification Sherloc (09022015). Collection method: clinical testing. Allele origin: germline.
Comment: In summary, the available evidence is currently insufficient to determine the role of this variant in disease. Therefore, it has been classified as a Variant of Uncertain Significance. Algorithms developed to predict the effect of missense changes on protein structure and function output the following: SIFT: "Not Available"; PolyPhen-2: "Benign"; Align-GVGD: "Not Available". The valine amino acid residue is found in multiple mammalian species, which suggests that this missense change does not adversely affect protein function. ClinVar contains an entry for this variant (Variation ID: 1462863). This variant has not been reported in the literature in individuals affected with KIAA1549-related conditions. This variant is present in population databases (rs367951483, gnomAD 0.009%). This sequence change replaces isoleucine, which is neutral and non-polar, with valine, which is neutral and non-polar, at codon 638 of the KIAA1549 protein (p.Ile638Val).

NM_001164665.2(KIAA1549):c.1912A>G (p.Ile638Val)

Gene: KIAA1549 (KIAA1549; minus strand). Cytogenetic location: 7q34.
Variant type: single nucleotide variant.
Coding change: c.1912A>G on transcript NM_001164665.2 (MANE Select); coding-DNA position 1912, A replaced by G.
Protein change: p.Ile638Val; replaces isoleucine 638 with valine.
Molecular consequence: missense variant.
Genome position (GRCh38, 1-based): chr7:138,917,714, T>C on the plus strand (A>G on the coding strand, the complement: KIAA1549 is on the minus strand). VCF-style: chr7-138917714-T-C. GRCh37 (hg19) VCF-style: chr7-138602460-T-C.
Other names: c.1912A>G, p.Ile638Val (NM_020910.3); short protein forms I638V.
Identifiers: ClinVar variation 1462863 (VCV001462863.8), dbSNP rs367951483, ClinGen allele CA4506608.